The following is an entry in ClinVar:

ClinVar aggregate classification (germline): Uncertain significance (1 of 4 stars; one submission).

Conditions:
Progressive sclerosing poliodystrophy (MTDPS4A). Also called: NEURONAL DEGENERATION OF CHILDHOOD WITH LIVER DISEASE, PROGRESSIVE; Alpers-Huttenlocher Syndrome (AHS); ALPERS PROGRESSIVE INFANTILE POLIODYSTROPHY; Mitochondrial DNA Depletion Syndrome 4A; Alpers Syndrome; ALPERS DIFFUSE DEGENERATION OF CEREBRAL GRAY MATTER WITH HEPATIC CIRRHOSIS. Identifiers: Orphanet 726, MedGen C0205710, MONDO:0008758, OMIM 203700.

Allele frequency attached by ClinVar (database versions not stated): gnomAD exomes below 0.00001; ExAC 0.00001.
gnomAD v4.1: 5 of 1,612,652 alleles (0.00031%); highest among the groups gnomAD compares: Non-Finnish European, 0.00034%; no homozygotes.

Submission:

Labcorp Genetics (formerly Invitae), Labcorp
Classification: Uncertain significance for Progressive sclerosing poliodystrophy. Last evaluated: 2022-04-07. Review status: criteria provided, single submitter. Criteria: Invitae Variant Classification Sherloc (09022015). Collection method: clinical testing. Allele origin: germline.
Comment: This sequence change replaces isoleucine, which is neutral and non-polar, with valine, which is neutral and non-polar, at codon 652 of the POLG protein (p.Ile652Val). This variant is present in population databases (rs767751301, gnomAD 0.0009%). This variant has not been reported in the literature in individuals affected with POLG-related conditions. ClinVar contains an entry for this variant (Variation ID: 1059634). Algorithms developed to predict the effect of missense changes on protein structure and function (SIFT, PolyPhen-2, Align-GVGD) all suggest that this variant is likely to be tolerated. In summary, the available evidence is currently insufficient to determine the role of this variant in disease. Therefore, it has been classified as a Variant of Uncertain Significance.

NM_002693.3(POLG):c.1954A>G (p.Ile652Val)

Gene: POLG (DNA polymerase gamma, catalytic subunit; minus strand). Cytogenetic location: 15q26.1.
Variant type: single nucleotide variant.
Coding change: c.1954A>G on transcript NM_002693.3 (MANE Select); coding-DNA position 1954, A replaced by G.
Protein change: p.Ile652Val; replaces isoleucine 652 with valine.
Molecular consequence: missense variant.
Genome position (GRCh38, 1-based): chr15:89,324,223, T>C on the plus strand (A>G on the coding strand, the complement: POLG is on the minus strand). VCF-style: chr15-89324223-T-C. GRCh37 (hg19) VCF-style: chr15-89867454-T-C.
Other names: c.1954A>G, p.Ile652Val (NM_001126131.2); short protein forms I652V.
Identifiers: ClinVar variation 1059634 (VCV001059634.6), dbSNP rs767751301, ClinGen allele CA7724634.